The following is an entry in ClinVar:

NM_000551.4(VHL):c.*9G>C

Genes: VHL (von Hippel-Lindau tumor suppressor; plus strand), LOC107303340 (3p25 von Hippel-Lindau tumor suppressor, E3 ubiquitin protein ligase Alu-mediated recombination region; plus strand). Cytogenetic location: 3p25.3.
Variant type: single nucleotide variant.
Coding change: c.*9G>C on transcript NM_000551.4 (MANE Select); 9 bases downstream of the stop codon, G replaced by C.
Molecular consequence: 3 prime UTR variant. On other transcripts: non-coding transcript variant (1).
Genome position (GRCh38, 1-based): chr3:10,149,974, G>C. VCF-style: chr3-10149974-G-C. GRCh37 (hg19) VCF-style: chr3-10191658-G-C.
Other names: c.*205G>C (NM_001354723.2); c.*9G>C (NM_198156.3).
Identifiers: ClinVar variation 2582026 (VCV002582026.2), dbSNP rs764358108, ClinGen allele CA042135.
Genomic context (GRCh38, chr3:10,149,974, plus strand): 5'-CCTGGAGCGGCTGACACAGGAGCGCATTGCACATCAACGGATGGGAGATTGAAGATTTCT[G>C]TTGAAACTTACACTGTTTCATCTCAGCTTTTGATGGTACTGATGAGTCTTGATCTAGATA-3'

ClinVar aggregate classification (germline): Conflicting classifications of pathogenicity. Review status: criteria provided, conflicting classifications (1 of 4 stars). 2 submissions from 2 submitters: Uncertain significance (1); Benign (1). Last evaluated 2025-06-13.

Conditions:
Von Hippel-Lindau syndrome (VHLS). Also called: Von Hippel-Lindau; von Hippel–Lindau syndrome; VHL syndrome. Identifiers: Orphanet 892, MedGen C0019562, MONDO:0008667, OMIM 193300. Disease mechanism: loss of function.

Allele frequency attached by ClinVar (database versions not stated): gnomAD 0.00001; TOPMed 0.00001.
gnomAD v4.1: 1 of 1,611,714 alleles (0.000062%); highest among the groups gnomAD compares: African/African-American, 0.0013%; no homozygotes.

Submissions (2):

Myriad Genetics, Inc.
Classification: Benign for Von Hippel-Lindau syndrome. Last evaluated: 2025-06-13. Review status: criteria provided, single submitter. Criteria: Myriad Autosomal Dominant, Autosomal Recessive and X-Linked Classification Criteria (2023). Collection method: clinical testing. Allele origin: unknown.
Comment: This variant is considered benign. This variant occurs in the non-coding 3' untranslated region of the gene, and is not expected to impact protein function.

GeneDx
Classification: Uncertain significance. Last evaluated: 2023-03-27. Review status: criteria provided, single submitter. Criteria: GeneDx Variant Classification Process June 2021. Collection method: clinical testing. Allele origin: germline. Affected: yes.
Comment: Not observed at significant frequency in large population cohorts (gnomAD); Nucleotide substitution has no predicted effect on splicing and is not conserved across species; Has not been previously published as pathogenic or benign to our knowledge